The following is an entry in ClinVar:

ClinVar aggregate classification (germline): Uncertain significance (1 of 4 stars; one submission).

Conditions:
Hereditary cancer-predisposing syndrome. Also called: Neoplastic Syndromes, Hereditary; Tumor predisposition; Hereditary neoplastic syndrome; Hereditary Cancer Syndrome. Identifiers: Orphanet 140162, MedGen C0027672, MeSH D009386, MONDO:0015356.
Cardiovascular phenotype. Identifiers: MedGen CN230736.

Submission:

Ambry Genetics
Classification: Uncertain significance for Cardiovascular phenotype; Hereditary cancer-predisposing syndrome. Last evaluated: 2024-02-22. Review status: criteria provided, single submitter. Criteria: Ambry Variant Classification Scheme 2023. Collection method: clinical testing. Allele origin: germline.
Comment: The p.N707D variant (also known as c.2119A>G), located in coding exon 18 of the LZTR1 gene, results from an A to G substitution at nucleotide position 2119. The asparagine at codon 707 is replaced by aspartic acid, an amino acid with highly similar properties. This amino acid position is conserved. In addition, this alteration is predicted to be tolerated by in silico analysis. Based on the available evidence, the clinical significance of this alteration remains unclear.

NM_006767.4(LZTR1):c.2119A>G (p.Asn707Asp)

Gene: LZTR1 (leucine zipper like post translational regulator 1; plus strand). Cytogenetic location: 22q11.21.
Variant type: single nucleotide variant.
Coding change: c.2119A>G on transcript NM_006767.4 (MANE Select); coding-DNA position 2119, A replaced by G.
Protein change: p.Asn707Asp; replaces asparagine 707 with aspartic acid.
Molecular consequence: missense variant.
Genome position (GRCh38, 1-based): chr22:20,996,012, A>G. VCF-style: chr22-20996012-A-G. GRCh37 (hg19) VCF-style: chr22-21350301-A-G.
Other names: short protein forms N707D.
Identifiers: ClinVar variation 3238204 (VCV003238204.1), dbSNP rs2518624518.